The following is an entry in ClinVar:

NM_012186.3(FOXE3):c.922C>A (p.Gln308Lys)

Genes: FOXE3 (forkhead box E3; plus strand), LINC01389 (long independently transcribed non-coding RNA 1389; minus strand). Cytogenetic location: 1p33.
Variant type: single nucleotide variant.
Coding change: c.922C>A on transcript NM_012186.3 (MANE Select); coding-DNA position 922, C replaced by A.
Protein change: p.Gln308Lys; replaces glutamine 308 with lysine.
Molecular consequence: missense variant.
Genome position (GRCh38, 1-based): chr1:47,417,237, C>A. VCF-style: chr1-47417237-C-A. GRCh37 (hg19) VCF-style: chr1-47882909-C-A.
Other names: short protein forms Q308K.
Identifiers: ClinVar variation 2928666 (VCV002928666.3), dbSNP rs991701266, ClinGen allele CA22069431.

ClinVar aggregate classification (germline): Uncertain significance (1 of 4 stars; one submission).

Conditions:
Anterior segment dysgenesis. Also called: Ocular anterior segment dysgenesis. Identifiers: Orphanet 88632, MedGen C1862839, MONDO:0019503, HP:0007700.
Congenital primary aphakia. Also called: Anterior segment dysgenesis 2, multiple subtypes; ANTERIOR SEGMENT DYSGENESIS 2. Identifiers: Orphanet 83461, MedGen C1853230, MONDO:0012456, OMIM 610256.

Allele frequency attached by ClinVar (database versions not stated): gnomAD 0.00001.

Submission:

Labcorp Genetics (formerly Invitae), Labcorp
Classification: Uncertain significance for Anterior segment dysgenesis; Congenital primary aphakia. Last evaluated: 2025-10-26. Review status: criteria provided, single submitter. Criteria: Invitae Variant Classification Sherloc (09022015). Collection method: clinical testing. Allele origin: germline.
Comment: This sequence change replaces glutamine, which is neutral and polar, with lysine, which is basic and polar, at codon 308 of the FOXE3 protein (p.Gln308Lys). This variant is present in population databases (no rsID available, gnomAD 0.01%). This variant has not been reported in the literature in individuals affected with FOXE3-related conditions. ClinVar contains an entry for this variant (Variation ID: 2928666). An algorithm developed to predict the effect of missense changes on protein structure and function (PolyPhen-2) suggests that this variant is likely to be tolerated. In summary, the available evidence is currently insufficient to determine the role of this variant in disease. Therefore, it has been classified as a Variant of Uncertain Significance.